The following is an entry in ClinVar:

ClinVar aggregate classification (germline): Uncertain significance (1 of 4 stars; one submission).

Conditions:
Hypospadias 2, X-linked (HYSP2). Identifiers: Orphanet 440, MedGen C2677879, MONDO:0010423, OMIM 300758.

Submission:

Victorian Clinical Genetics Services, Murdoch Childrens Research Institute
Classification: Uncertain significance for Hypospadias 2, X-linked. Last evaluated: 2024-10-08. Review status: criteria provided, single submitter. Criteria: ACMG Guidelines, 2015. Collection method: clinical testing. Allele origin: germline. Inheritance: X-linked inheritance. Affected: yes.
Comment: Based on the classification scheme VCGS_Germline_v1.3.4, this variant is classified as VUS-3B. Following criteria are met: 0102 - Loss of function is a known mechanism of disease in this gene and is associated with hypospadias 2, X-linked (MIM#300758). (I) 0109 - This gene is associated with X-linked recessive disease. (I) 0200 - Variant is predicted to result in a missense amino acid change from proline to leucine. (I) 0253 - This variant is hemizygous. (I) 0301 - Variant is absent from gnomAD (both v2 and v3). (SP) 0504 - Same amino acid change has been observed in placental mammals. (SB) 0604 - Variant is not located in an established domain, motif, hotspot or informative constraint region. (I) 0705 - No comparable missense variants have previous evidence for pathogenicity. (I) 0807 - This variant has no previous evidence of pathogenicity. (I) 0905 - No published segregation evidence has been identified for this variant. (I) 1007 - No published functional evidence has been identified for this variant. (I) Legend: (SP) - Supporting pathogenic, (I) - Information, (SB) - Supporting benign

NM_005491.5(MAMLD1):c.1592C>T (p.Pro531Leu)

Gene: MAMLD1 (mastermind like domain containing 1; plus strand). Cytogenetic location: Xq28.
Variant type: single nucleotide variant.
Coding change: c.1592C>T on transcript NM_005491.5 (MANE Select); coding-DNA position 1592, C replaced by T.
Protein change: p.Pro531Leu; replaces proline 531 with leucine.
Molecular consequence: missense variant.
Genome position (GRCh38, 1-based): chrX:150,471,165, C>T. VCF-style: chrX-150471165-C-T. GRCh37 (hg19) VCF-style: chrX-149639437-C-T.
Other names: c.1517C>T, p.Pro506Leu (NM_001177465.3, NM_001177466.3, NM_001400514.1); c.1592C>T, p.Pro531Leu (NM_001400512.1, NM_001400513.1, NM_001400515.1); short protein forms P506L, P531L.
Identifiers: ClinVar variation 3377344 (VCV003377344.1).